The following is an entry in ClinVar:

NM_005751.5(AKAP9):c.4081T>A (p.Tyr1361Asn)

Gene: AKAP9 (A-kinase anchoring protein 9; plus strand). Cytogenetic location: 7q21.2.
Variant type: single nucleotide variant.
Coding change: c.4081T>A on transcript NM_005751.5 (MANE Select); coding-DNA position 4081, T replaced by A.
Protein change: p.Tyr1361Asn; replaces tyrosine 1361 with asparagine.
Molecular consequence: missense variant.
Genome position (GRCh38, 1-based): chr7:92,022,942, T>A. VCF-style: chr7-92022942-T-A. GRCh37 (hg19) VCF-style: chr7-91652256-T-A.
Other names: c.4081T>A, p.Tyr1361Asn (NM_147185.3); short protein forms Y1361N.
Identifiers: ClinVar variation 650747 (VCV000650747.2), dbSNP rs1584171307, ClinGen allele CA368127930.

ClinVar aggregate classification (germline): Uncertain significance (1 of 4 stars; one submission).

Conditions:
Long QT syndrome (LQTS). Identifiers: MedGen C0023976, MeSH D008133, MONDO:0002442. Disease mechanism: loss of function. Inheritance: Various modes of inheritance.

Submission:

Labcorp Genetics (formerly Invitae), Labcorp
Classification: Uncertain significance for Long QT syndrome. Last evaluated: 2019-06-28. Review status: criteria provided, single submitter. Criteria: Invitae Variant Classification Sherloc (09022015). Collection method: clinical testing. Allele origin: germline.
Comment: This sequence change replaces tyrosine with asparagine at codon 1361 of the AKAP9 protein (p.Tyr1361Asn). The tyrosine residue is moderately conserved and there is a large physicochemical difference between tyrosine and asparagine. This variant is not present in population databases (ExAC no frequency). This variant has not been reported in the literature in individuals with AKAP9-related disease. Algorithms developed to predict the effect of missense changes on protein structure and function are either unavailable or do not agree on the potential impact of this missense change (SIFT: "Deleterious"; PolyPhen-2: "Benign"; Align-GVGD: "Class C0"). In summary, the available evidence is currently insufficient to determine the role of this variant in disease. Therefore, it has been classified as a Variant of Uncertain Significance.